The following is an entry in ClinVar:

ClinVar aggregate classification (germline): Uncertain significance. Review status: criteria provided, multiple submitters, no conflicts (2 of 4 stars). 2 submissions from 2 submitters: Uncertain significance (2). Last evaluated 2024-03-01.

Conditions:
Inborn genetic diseases. Identifiers: MedGen C0950123, MeSH D030342.

Allele frequency attached by ClinVar (database versions not stated): TOPMed 0.00002; ExAC 0.00005.
gnomAD v4.1: 33 of 1,550,436 alleles (0.0021%); highest among the groups gnomAD compares: South Asian, 0.0048%; no homozygotes.

Submissions (2):

CeGaT Center for Human Genetics Tuebingen
Classification: Uncertain significance. Last evaluated: 2024-03-01. Review status: criteria provided, single submitter. Criteria: CeGaT Center For Human Genetics Tuebingen Variant Classification Criteria Version 2. Collection method: clinical testing. Allele origin: germline. Affected: yes. Observed: 1 variant allele.
Comment: PIEZO1: PM2, PP3

Ambry Genetics
Classification: Uncertain significance for Inborn genetic diseases. Last evaluated: 2023-02-13. Review status: criteria provided, single submitter. Criteria: Ambry Variant Classification Scheme 2023. Collection method: clinical testing. Allele origin: germline.

NM_001142864.4(PIEZO1):c.7415C>T (p.Pro2472Leu)

Gene: PIEZO1 (piezo type mechanosensitive ion channel component 1 (Er blood group); minus strand). Cytogenetic location: 16q24.3.
Variant type: single nucleotide variant.
Coding change: c.7415C>T on transcript NM_001142864.4 (MANE Select); coding-DNA position 7415, C replaced by T.
Protein change: p.Pro2472Leu; replaces proline 2472 with leucine.
Molecular consequence: missense variant.
Genome position (GRCh38, 1-based): chr16:88,715,756, G>A on the plus strand (C>T on the coding strand, the complement: PIEZO1 is on the minus strand). VCF-style: chr16-88715756-G-A. GRCh37 (hg19) VCF-style: chr16-88782164-G-A.
Other names: c.5957C>T, p.Pro1986Leu (NM_014745.1); short protein forms P1986L, P2472L.
Identifiers: ClinVar variation 2468106 (VCV002468106.23), dbSNP rs750927939, ClinGen allele CA8231320.
Genomic context (GRCh38, chr16:88,715,756, plus strand): 5'-TCCCGAGTCTCCCGCACCAGGAAGATGTCCTGGCAGAGCTTGAGGATGCGGTCCACGCAC[G>A]GCAGCTCCTCGAACATAATGGAGTGCGAGATCTCGCTGAAGAATCCGCGCACGAACTTGC-3'
Protein context (NP_001136336.2, residues 2462-2482): ISHSIMFEEL[Pro2472Leu]CVDRILKLCQ